The following is an entry in ClinVar:

NM_000219.6(KCNE1):c.159C>T (p.Phe53=)

Gene: KCNE1 (potassium voltage-gated channel subfamily E regulatory subunit 1; minus strand). Cytogenetic location: 21q22.12.
Variant type: single nucleotide variant.
Coding change: c.159C>T on transcript NM_000219.6 (MANE Select); coding-DNA position 159, C replaced by T.
Protein change: p.Phe53=; no amino-acid change (phenylalanine 53 retained).
Molecular consequence: synonymous variant.
Genome position (GRCh38, 1-based): chr21:34,449,476, G>A on the plus strand (C>T on the coding strand, the complement: KCNE1 is on the minus strand). VCF-style: chr21-34449476-G-A. GRCh37 (hg19) VCF-style: chr21-35821774-G-A.
Other names: c.159C>T, p.Phe53= (NM_001127668.4, NM_001127669.4, NM_001127670.4 and 4 more transcripts).
Identifiers: ClinVar variation 3374202 (VCV003374202.2).

Conditions:
Long QT syndrome 5 (LQT5). Identifiers: Orphanet 101016, Orphanet 768, MedGen C1867904, MONDO:0013372, OMIM 613695.

Submission:

Roden Lab, Vanderbilt University Medical Center
No classification provided (evidence only). Condition: Long QT syndrome 5. Review status: no classification provided. Collection method: in vitro. Allele origin: not applicable. Functional consequence: Effect on ion channel function.
ClinVar note: "not provided" was previously submitted as the classification for the variant. However, the classification appeared to be based only on an observation of functional data so it was converted to no classification on 2025-07-30.